The following is an entry in ClinVar:

NM_002972.4(SBF1):c.4493T>C (p.Leu1498Pro)

Gene: SBF1 (SET binding factor 1; minus strand). Cytogenetic location: 22q13.33.
Variant type: single nucleotide variant.
Coding change: c.4493T>C on transcript NM_002972.4 (MANE Select); coding-DNA position 4493, T replaced by C.
Protein change: p.Leu1498Pro; replaces leucine 1498 with proline.
Molecular consequence: missense variant.
Genome position (GRCh38, 1-based): chr22:50,455,285, A>G on the plus strand (T>C on the coding strand, the complement: SBF1 is on the minus strand). VCF-style: chr22-50455285-A-G. GRCh37 (hg19) VCF-style: chr22-50893714-A-G.
Other names: c.4418T>C, p.Leu1473Pro (NM_001365819.1); short protein forms L1498P, L1473P.
Identifiers: ClinVar variation 809389 (VCV000809389.44), dbSNP rs753856952, ClinGen allele CA10316247.

ClinVar aggregate classification (germline): Uncertain significance. Review status: criteria provided, multiple submitters, no conflicts (2 of 4 stars). 2 submissions from 2 submitters: Uncertain significance (2). Last evaluated 2024-12-02.

Allele frequency attached by ClinVar (database versions not stated): gnomAD exomes 0.00002 and 0.00003; TOPMed 0.00002; ExAC 0.00003.
gnomAD v4.1: 38 of 1,613,490 alleles (0.0024%); highest among the groups gnomAD compares: Non-Finnish European, 0.0031%; no homozygotes.

Submissions (2):

Labcorp Genetics (formerly Invitae), Labcorp
Classification: Uncertain significance. Last evaluated: 2024-12-02. Review status: criteria provided, single submitter. Criteria: Invitae Variant Classification Sherloc (09022015). Collection method: clinical testing. Allele origin: germline.
Comment: This sequence change replaces leucine, which is neutral and non-polar, with proline, which is neutral and non-polar, at codon 1498 of the SBF1 protein (p.Leu1498Pro). This variant is present in population databases (rs753856952, gnomAD 0.005%). This variant has not been reported in the literature in individuals affected with SBF1-related conditions. ClinVar contains an entry for this variant (Variation ID: 809389). Invitae Evidence Modeling of protein sequence and biophysical properties (such as structural, functional, and spatial information, amino acid conservation, physicochemical variation, residue mobility, and thermodynamic stability) indicates that this missense variant is not expected to disrupt SBF1 protein function with a negative predictive value of 80%. In summary, the available evidence is currently insufficient to determine the role of this variant in disease. Therefore, it has been classified as a Variant of Uncertain Significance.

CeGaT Center for Human Genetics Tuebingen
Classification: Uncertain significance. Last evaluated: 2019-05-01. Review status: criteria provided, single submitter. Criteria: CeGaT Center For Human Genetics Tuebingen Variant Classification Criteria Version 2. Collection method: clinical testing. Allele origin: germline. Affected: yes. Observed: 1 variant allele.